The following is an entry in ClinVar:

NM_014946.4(SPAST):c.857C>T (p.Pro286Leu)

Gene: SPAST (spastin; plus strand). Cytogenetic location: 2p22.3.
Variant type: single nucleotide variant.
Coding change: c.857C>T on transcript NM_014946.4 (MANE Select); coding-DNA position 857, C replaced by T.
Protein change: p.Pro286Leu; replaces proline 286 with leucine.
Molecular consequence: missense variant.
Genome position (GRCh38, 1-based): chr2:32,114,812, C>T. VCF-style: chr2-32114812-C-T. GRCh37 (hg19) VCF-style: chr2-32339881-C-T.
Other names: c.854C>T, p.Pro285Leu (NM_001363823.2); c.758C>T, p.Pro253Leu (NM_001363875.2); c.761C>T, p.Pro254Leu (NM_001377959.1, NM_199436.2); short protein forms P253L, P254L, P285L, P286L.
Identifiers: ClinVar variation 3767834 (VCV003767834.1).

ClinVar aggregate classification (germline): Uncertain significance (1 of 4 stars; one submission).

gnomAD v4.1: 1 of 1,613,778 alleles (0.000062%); highest among the groups gnomAD compares: Non-Finnish European, 0.000085%; no homozygotes.

Submission:

GeneDx
Classification: Uncertain significance. Last evaluated: 2024-09-05. Review status: criteria provided, single submitter. Criteria: GeneDx Variant Classification Process June 2021. Collection method: clinical testing. Allele origin: germline. Affected: yes.
Comment: Has not been previously published as pathogenic or benign to our knowledge; Not observed at significant frequency in large population cohorts (gnomAD); In silico analysis indicates that this missense variant does not alter protein structure/function; This variant is associated with the following publications: (PMID: 21139634, 26094131)